The following is an entry in ClinVar:

NM_173354.5(SIK1):c.2072G>A (p.Gly691Asp)

Gene: SIK1 (salt inducible kinase 1; minus strand). Cytogenetic location: 21q22.3.
Variant type: single nucleotide variant.
Coding change: c.2072G>A on transcript NM_173354.5 (MANE Select); coding-DNA position 2072, G replaced by A.
Protein change: p.Gly691Asp; replaces glycine 691 with aspartic acid.
Molecular consequence: missense variant.
Genome position (GRCh38, 1-based): chr21:43,417,022, C>T on the plus strand (G>A on the coding strand, the complement: SIK1 is on the minus strand). VCF-style: chr21-43417022-C-T. GRCh37 (hg19) VCF-style: chr21-44836902-C-T.
Other names: short protein forms G691D.
Identifiers: ClinVar variation 476097 (VCV000476097.41), dbSNP rs200810453, ClinGen allele CA321324493.

ClinVar aggregate classification (germline): Benign/Likely benign. Review status: criteria provided, multiple submitters, no conflicts (2 of 4 stars). 5 submissions from 5 submitters: Benign (4); Likely benign (1). Last evaluated 2026-09-01.

Conditions:
Inborn genetic diseases. Identifiers: MedGen C0950123, MeSH D030342.
Developmental and epileptic encephalopathy, 30 (DEE30). Also called: Epileptic encephalopathy, early infantile, 30. Identifiers: MedGen C4225360, MONDO:0014595, OMIM 616341.

Allele frequency attached by ClinVar (database versions not stated): 1000 Genomes Project 0.00040; ESP Exome Variant Server 0.00153; gnomAD 0.00249; gnomAD exomes 0.00255; ExAC 0.01011.

Submissions (5):

CeGaT Center for Human Genetics Tuebingen
Classification: Benign. Last evaluated: 2026-09-01. Review status: criteria provided, single submitter. Criteria: CeGaT Center For Human Genetics Tuebingen Variant Classification Criteria Version 2. Collection method: clinical testing. Allele origin: germline. Affected: yes. Observed: 14 variant alleles.
Comment: SIK1: BS1, BS2

Labcorp Genetics (formerly Invitae), Labcorp
Classification: Benign for Developmental and epileptic encephalopathy, 30. Last evaluated: 2026-02-02. Review status: criteria provided, single submitter. Criteria: Invitae Variant Classification Sherloc (09022015). Collection method: clinical testing. Allele origin: germline.

Blueprint Genetics
Classification: Likely benign. Last evaluated: 2024-11-25. Review status: criteria provided, single submitter. Criteria: ACMG Guidelines, 2015. Collection method: clinical testing. Allele origin: germline.

Ambry Genetics
Classification: Benign for Inborn genetic diseases. Last evaluated: 2016-04-11. Review status: criteria provided, single submitter. Criteria: Ambry Variant Classification Scheme 2023. Collection method: clinical testing. Allele origin: germline.

Breakthrough Genomics
Classification: Benign. Review status: criteria provided, single submitter. Criteria: ACMG Guidelines, 2015. Collection method: not provided. Allele origin: germline. Inheritance: Autosomal dominant inheritance. Affected: yes.